The following is an entry in ClinVar:

ClinVar aggregate classification (germline): Conflicting classifications of pathogenicity. Review status: criteria provided, conflicting classifications (1 of 4 stars). 6 submissions from 6 submitters: Uncertain significance (4); Likely benign (1). 1 of the submissions does not count toward it. Last evaluated 2024-11-21.

Conditions:
DNAH9-related disorder. Also called: DNAH9-related condition.
Ciliary dyskinesia, primary, 40. Also called: CILIARY DYSKINESIA, PRIMARY, 40, WITH OR WITHOUT SITUS INVERSUS. Identifiers: MedGen C4749028, MONDO:0032664, OMIM 618300.
Inborn genetic diseases. Identifiers: MedGen C0950123, MeSH D030342.

Allele frequency attached by ClinVar (database versions not stated): 1000 Genomes Project 30x 0.00016; ExAC 0.00059; gnomAD exomes 0.00063 and 0.00123; TOPMed 0.00063; gnomAD 0.00066 and 0.00068; ESP Exome Variant Server 0.00131.
gnomAD v4.1: 1,905 of 1,612,966 alleles (0.12%); highest among the groups gnomAD compares: Middle Eastern, 0.18%; 3 homozygotes.

Submissions (6):

Blueprint Genetics
Classification: Likely benign. Last evaluated: 2024-11-21. Review status: criteria provided, single submitter. Criteria: ACMG Guidelines, 2015. Collection method: clinical testing. Allele origin: germline.

Labcorp Genetics (formerly Invitae), Labcorp
Classification: Uncertain significance. Last evaluated: 2022-10-05. Review status: criteria provided, single submitter. Criteria: Invitae Variant Classification Sherloc (09022015). Collection method: clinical testing. Allele origin: germline.
Comment: This sequence change replaces alanine, which is neutral and non-polar, with valine, which is neutral and non-polar, at codon 3680 of the DNAH9 protein (p.Ala3680Val). This variant is present in population databases (rs72815427, gnomAD 0.1%), and has an allele count higher than expected for a pathogenic variant. This variant has not been reported in the literature in individuals affected with DNAH9-related conditions. ClinVar contains an entry for this variant (Variation ID: 1492740). Advanced modeling of protein sequence and biophysical properties (such as structural, functional, and spatial information, amino acid conservation, physicochemical variation, residue mobility, and thermodynamic stability) performed at Invitae indicates that this missense variant is not expected to disrupt DNAH9 protein function. In summary, the available evidence is currently insufficient to determine the role of this variant in disease. Therefore, it has been classified as a Variant of Uncertain Significance.

Victorian Clinical Genetics Services, Murdoch Childrens Research Institute
Classification: Uncertain significance for Ciliary dyskinesia, primary, 40. Last evaluated: 2022-02-02. Review status: criteria provided, single submitter. Criteria: ACMG Guidelines, 2015. Collection method: clinical testing. Allele origin: germline. Inheritance: Autosomal recessive inheritance. Affected: yes.
Comment: Based on the classification scheme VCGS_Germline_v1.3.4, this variant is classified as VUS-3B. Following criteria are met: 0102 - Loss of function is a known mechanism of disease in this gene and is associated with primary ciliary dyskinesia, 40 (MIM#618300). (I) 0106 - This gene is associated with autosomal recessive disease. (I) 0200 - Variant is predicted to result in a missense amino acid change from alanine to valine. (I) 0251 - This variant is heterozygous. (I) 0304 - Variant is present in gnomAD <0.01 for a recessive condition (v2:173 heterozygotes, 0 homozygotes). (SP) 0309 - An alternative amino acid change at the same position has been observed in gnomAD (v3) (p.(Ala3680Thr): 1 heterozygote, 0 homozygotes). (I) 0502 - Missense variant with conflicting in silico predictions and uninformative conservation. (I) 0604 - Variant is not located in an established domain, motif, hotspot or informative constraint region. (I) 0705 - No comparable missense variants have previous evidence for pathogenicity. (I) 0807 - This variant has no previous evidence of pathogenicity. (I) 0905 - No published segregation evidence has been identified for this variant. (I) 1007 - No published functional evidence has been identified for this variant. (I) 1208 - Inheritance information for this variant is not currently available in this individual. (I) Legend: (SP) - Supporting pathogenic, (I) - Information, (SB) - Supporting benign

Ambry Genetics
Classification: Uncertain significance for Inborn genetic diseases. Last evaluated: 2021-08-04. Review status: criteria provided, single submitter. Criteria: Ambry Variant Classification Scheme 2023. Collection method: clinical testing. Allele origin: germline.

Breakthrough Genomics
Classification: Uncertain significance. Review status: criteria provided, single submitter. Criteria: ACMG Guidelines, 2015. Collection method: not provided. Allele origin: germline. Inheritance: Autosomal recessive inheritance. Affected: yes.

PreventionGenetics, part of Exact Sciences
Classification: Likely benign for DNAH9-related condition. Last evaluated: 2024-08-12. Review status: no assertion criteria provided. Collection method: clinical testing. Allele origin: germline. Not counted in ClinVar's aggregate classification.
Comment: This variant is classified as likely benign based on ACMG/AMP sequence variant interpretation guidelines (Richards et al. 2015 PMID: 25741868, with internal and published modifications).

NM_001372.4(DNAH9):c.11039C>T (p.Ala3680Val)

Gene: DNAH9 (dynein axonemal heavy chain 9; plus strand). Cytogenetic location: 17p12.
Variant type: single nucleotide variant.
Coding change: c.11039C>T on transcript NM_001372.4 (MANE Select); coding-DNA position 11039, C replaced by T.
Protein change: p.Ala3680Val; replaces alanine 3680 with valine.
Molecular consequence: missense variant. On other transcripts: 5 prime UTR variant (1).
Genome position (GRCh38, 1-based): chr17:11,886,892, C>T. VCF-style: chr17-11886892-C-T. GRCh37 (hg19) VCF-style: chr17-11790209-C-T.
Other names: c.-26C>T (NM_004662.2); short protein forms A3680V.
Identifiers: ClinVar variation 1492740 (VCV001492740.10), dbSNP rs72815427, ClinGen allele CA8397715.
Genomic context (GRCh38, chr17:11,886,892, plus strand): 5'-AGGCCAAGGTGACTGAAGTGAAAATCAACGAGGCCCGAGAGCACTACCGGCCAGCAGCTG[C>T]CAGGGCCTCACTGCTCTACTTCATCATGAACGACCTCAGCAAGATCCATCCAATGTACCA-3'
Protein context (NP_001363.2, residues 3670-3690): EAREHYRPAA[Ala3680Val]RASLLYFIMN